The following is an entry in ClinVar:

ClinVar aggregate classification (germline): Benign (0 of 4 stars; one submission).

Conditions:
C8G-related disorder. Also called: C8G-related condition.

Allele frequency attached by ClinVar (database versions not stated): gnomAD exomes 0.00092; ExAC 0.00261; 1000 Genomes Project 0.00799; 1000 Genomes Project 30x 0.00828; gnomAD 0.00834; ESP Exome Variant Server 0.00853; TOPMed 0.00951.
gnomAD v4.1: 2,664 of 1,612,758 alleles (0.17%); highest among the groups gnomAD compares: African/African-American, 3%; 40 homozygotes.

Submission:

PreventionGenetics, part of Exact Sciences
Classification: Benign for C8G-related condition. Last evaluated: 2019-07-08. Review status: no assertion criteria provided. Collection method: clinical testing. Allele origin: germline.
Comment: This variant is classified as benign based on ACMG/AMP sequence variant interpretation guidelines (Richards et al. 2015 PMID: 25741868, with internal and published modifications).

NM_000606.3(C8G):c.555C>T (p.Tyr185=)

Gene: C8G (complement C8 gamma chain; plus strand). Cytogenetic location: 9q34.3.
Variant type: single nucleotide variant.
Coding change: c.555C>T on transcript NM_000606.3 (MANE Select); coding-DNA position 555, C replaced by T.
Protein change: p.Tyr185=; no amino-acid change (tyrosine 185 retained).
Molecular consequence: synonymous variant.
Genome position (GRCh38, 1-based): chr9:136,946,565, C>T. VCF-style: chr9-136946565-C-T. GRCh37 (hg19) VCF-style: chr9-139841017-C-T.
Identifiers: ClinVar variation 3039444 (VCV003039444.2), dbSNP rs78405347, ClinGen allele CA5351746.